The following is an entry in ClinVar:

NM_030665.4(RAI1):c.1203G>A (p.Thr401=)

Gene: RAI1 (retinoic acid induced 1; plus strand). Cytogenetic location: 17p11.2.
Variant type: single nucleotide variant.
Coding change: c.1203G>A on transcript NM_030665.4 (MANE Select); coding-DNA position 1203, G replaced by A.
Protein change: p.Thr401=; no amino-acid change (threonine 401 retained).
Molecular consequence: synonymous variant.
Genome position (GRCh38, 1-based): chr17:17,794,151, G>A. VCF-style: chr17-17794151-G-A. GRCh37 (hg19) VCF-style: chr17-17697465-G-A.
Identifiers: ClinVar variation 1522477 (VCV001522477.10), dbSNP rs762958909, ClinGen allele CA8418289.

ClinVar aggregate classification (germline): Likely benign. Review status: criteria provided, multiple submitters, no conflicts (2 of 4 stars). 3 submissions from 3 submitters: Likely benign (3). Last evaluated 2025-05-14.

Conditions:
Inborn genetic diseases. Identifiers: MedGen C0950123, MeSH D030342.
RAI1-related disorder. Also called: RAI1-related condition.

Allele frequency attached by ClinVar (database versions not stated): gnomAD 0.00001; gnomAD exomes 0.00001 and 0.00002; TOPMed 0.00001; ExAC 0.00002.
gnomAD v4.1: 9 of 1,613,802 alleles (0.00056%); highest among the groups gnomAD compares: Admixed American, 0.005%; no homozygotes.

Submissions (3):

Labcorp Genetics (formerly Invitae), Labcorp
Classification: Likely benign. Last evaluated: 2025-05-14. Review status: criteria provided, single submitter. Criteria: Invitae Variant Classification Sherloc (09022015). Collection method: clinical testing. Allele origin: germline.

PreventionGenetics, part of Exact Sciences
Classification: Likely benign for RAI1-related condition. Last evaluated: 2025-01-09. Review status: criteria provided, single submitter. Criteria: ACMG Guidelines, 2015. Collection method: clinical testing. Allele origin: germline.
Comment: This variant is classified as likely benign based on ACMG/AMP sequence variant interpretation guidelines (Richards et al. 2015 PMID: 25741868, with internal and published modifications).

Ambry Genetics
Classification: Likely benign for Inborn genetic diseases. Last evaluated: 2018-04-02. Review status: criteria provided, single submitter. Criteria: Ambry Variant Classification Scheme 2023. Collection method: clinical testing. Allele origin: germline.